The following is an entry in ClinVar:

NM_000090.4(COL3A1):c.3635A>G (p.Lys1212Arg)

Gene: COL3A1 (collagen type III alpha 1 chain; plus strand). Cytogenetic location: 2q32.2.
Variant type: single nucleotide variant.
Coding change: c.3635A>G on transcript NM_000090.4 (MANE Select); coding-DNA position 3635, A replaced by G.
Protein change: p.Lys1212Arg; replaces lysine 1212 with arginine.
Molecular consequence: missense variant.
Genome position (GRCh38, 1-based): chr2:189,009,033, A>G. VCF-style: chr2-189009033-A-G. GRCh37 (hg19) VCF-style: chr2-189873759-A-G.
Other names: short protein forms K1212R.
Identifiers: ClinVar variation 4869175 (VCV004869175.1).

ClinVar aggregate classification (germline): Uncertain significance (1 of 4 stars; one submission).

Conditions:
Familial thoracic aortic aneurysm and aortic dissection (TAAD). Also called: Thoracic aortic aneurysms and dissections. Identifiers: Orphanet 91387, MedGen C4707243, MONDO:0019625.

Submission:

Ambry Genetics
Classification: Uncertain significance for Familial thoracic aortic aneurysm and aortic dissection. Last evaluated: 2026-06-09. Review status: criteria provided, single submitter. Criteria: Ambry Variant Classification Scheme 2023. Collection method: clinical testing. Allele origin: germline.
Comment: The p.K1212R variant (also known as c.3635A>G), located in coding exon 48 of the COL3A1 gene, results from an A to G substitution at nucleotide position 3635. The lysine at codon 1212 is replaced by arginine, an amino acid with highly similar properties. This amino acid position is conserved. In addition, the in silico prediction for this alteration is inconclusive. Based on the available evidence, the clinical significance of this variant remains unclear.